The following is an entry in ClinVar:

ClinVar aggregate classification (germline): Conflicting classifications of pathogenicity. Review status: criteria provided, conflicting classifications (1 of 4 stars). 2 submissions from 2 submitters: Likely pathogenic (1); Uncertain significance (1). Last evaluated 2024-10-16.

Conditions:
Autosomal recessive Alport syndrome (ATS2). Also called: COL4A4 Alport Syndrome and Thin Basement Membrane Nephropathy; Alport syndrome type 2; ALPORT SYNDROME 2, AUTOSOMAL RECESSIVE; COL4A3-Related Nephropathy. Identifiers: Orphanet 63, Orphanet 88919, MedGen C4746745, MONDO:0008762, OMIM 203780.
Hematuria, benign familial, 1 (BFH1). Also called: THIN MEMBRANE NEPHROPATHY. Identifiers: MedGen CN376803, MONDO:0007709, OMIM 141200.

Submissions (2):

GeneDx
Classification: Uncertain significance. Last evaluated: 2024-10-16. Review status: criteria provided, single submitter. Criteria: GeneDx Variant Classification Process June 2021. Collection method: clinical testing. Allele origin: germline. Affected: yes.
Comment: Not observed at significant frequency in large population cohorts (gnomAD); In silico analysis supports a deleterious effect on splicing; Has not been previously published as pathogenic or benign to our knowledge

Fulgent Genetics
Classification: Likely pathogenic for Hematuria, benign familial, 1; Autosomal recessive Alport syndrome. Last evaluated: 2024-03-18. Review status: criteria provided, single submitter. Criteria: ACMG Guidelines, 2015. Collection method: clinical testing. Allele origin: germline.

NM_000092.5(COL4A4):c.490-6T>G

Gene: COL4A4 (collagen type IV alpha 4 chain; minus strand). Cytogenetic location: 2q36.3.
Variant type: single nucleotide variant.
Coding change: c.490-6T>G on transcript NM_000092.5 (MANE Select); 6 bases into the intron before coding-DNA position 490, T replaced by G.
Molecular consequence: intron variant.
Genome position (GRCh38, 1-based): chr2:227,114,702, A>C on the plus strand (T>G on the coding strand, the complement: COL4A4 is on the minus strand). VCF-style: chr2-227114702-A-C. GRCh37 (hg19) VCF-style: chr2-227979418-A-C.
Identifiers: ClinVar variation 3585936 (VCV003585936.2).